The following is an entry in ClinVar:

ClinVar aggregate classification (germline): Conflicting classifications of pathogenicity. Review status: criteria provided, conflicting classifications (1 of 4 stars). 2 submissions from 2 submitters: Uncertain significance (1); Likely benign (1). Last evaluated 2026-03-09.

Conditions:
OTOF-related disorder. Also called: OTOF-related condition.

Allele frequency attached by ClinVar (database versions not stated): gnomAD exomes 0.00005 and 0.00021; gnomAD 0.00006 and 0.00007; TOPMed 0.00011; ExAC 0.00014.
gnomAD v4.1: 83 of 1,614,074 alleles (0.0051%); highest among the groups gnomAD compares: Admixed American, 0.11%; 2 homozygotes.

Submissions (2):

PreventionGenetics, part of Exact Sciences
Classification: Uncertain significance for OTOF-related condition. Last evaluated: 2026-03-09. Review status: criteria provided, single submitter. Criteria: ACMG Guidelines, 2015. Collection method: clinical testing. Allele origin: germline.
Comment: The OTOF c.169G>A variant is predicted to result in the amino acid substitution p.Asp57Asn. To our knowledge, this variant has not been reported in the literature. This variant is reported in 0.14% of alleles in individuals of Latino descent in gnomAD. Although we suspect that this variant may be benign, at this time, the clinical significance of this variant is uncertain due to the absence of conclusive functional and genetic evidence.

Labcorp Genetics (formerly Invitae), Labcorp
Classification: Likely benign. Last evaluated: 2024-10-22. Review status: criteria provided, single submitter. Criteria: Invitae Variant Classification Sherloc (09022015). Collection method: clinical testing. Allele origin: germline.

NM_194248.3(OTOF):c.169G>A (p.Asp57Asn)

Gene: OTOF (otoferlin; minus strand). Cytogenetic location: 2p23.3.
Variant type: single nucleotide variant.
Coding change: c.169G>A on transcript NM_194248.3 (MANE Select); coding-DNA position 169, G replaced by A.
Protein change: p.Asp57Asn; replaces aspartic acid 57 with asparagine.
Molecular consequence: missense variant.
Genome position (GRCh38, 1-based): chr2:26,527,890, C>T on the plus strand (G>A on the coding strand, the complement: OTOF is on the minus strand). VCF-style: chr2-26527890-C-T. GRCh37 (hg19) VCF-style: chr2-26750758-C-T.
Other names: c.169G>A, p.Asp57Asn (NM_001287489.2); c.169G>A (NM_194248.2); short protein forms D57N.
Identifiers: ClinVar variation 1654443 (VCV001654443.9), dbSNP rs754784459, ClinGen allele CA1564777.